The following is an entry in ClinVar:

NM_006393.3(NEBL):c.1378A>G (p.Lys460Glu)

Gene: NEBL (nebulette; minus strand). Cytogenetic location: 10p12.31.
Variant type: single nucleotide variant.
Coding change: c.1378A>G on transcript NM_006393.3 (MANE Select); coding-DNA position 1378, A replaced by G.
Protein change: p.Lys460Glu; replaces lysine 460 with glutamic acid.
Molecular consequence: missense variant. On other transcripts: intron variant (9).
Genome position (GRCh38, 1-based): chr10:20,835,584, T>C on the plus strand (A>G on the coding strand, the complement: NEBL is on the minus strand). VCF-style: chr10-20835584-T-C. GRCh37 (hg19) VCF-style: chr10-21124513-T-C.
Other names: c.250-22644A>G (NM_001377326.1, NM_001377327.1, NM_001377328.1); c.358-22644A>G (NM_213569.2, NM_001173484.2, NM_001377322.1); c.301-22644A>G (NM_001377324.1); c.292-22644A>G (NM_001377325.1); c.310-22644A>G (NM_001377323.1); short protein forms K460E.
Identifiers: ClinVar variation 2162905 (VCV002162905.4), dbSNP rs1395706075, ClinGen allele CA376098340.

ClinVar aggregate classification (germline): Uncertain significance (1 of 4 stars; one submission).

Conditions:
Primary dilated cardiomyopathy (DCM). Also called: Dilated Cardiomyopathy. Identifiers: Orphanet 217604, MedGen C0007193, MeSH D002311, MONDO:0005021, HP:0001644. Inheritance: Various modes of inheritance.

gnomAD v4.1: 1 of 1,612,468 alleles (0.000062%); highest among the groups gnomAD compares: Non-Finnish European, 0.000085%; no homozygotes.

Submission:

Labcorp Genetics (formerly Invitae), Labcorp
Classification: Uncertain significance for Primary dilated cardiomyopathy. Last evaluated: 2022-07-31. Review status: criteria provided, single submitter. Criteria: Invitae Variant Classification Sherloc (09022015). Collection method: clinical testing. Allele origin: germline.
Comment: Algorithms developed to predict the effect of missense changes on protein structure and function are either unavailable or do not agree on the potential impact of this missense change (SIFT: "Deleterious"; PolyPhen-2: "Benign"; Align-GVGD: "Class C0"). In summary, the available evidence is currently insufficient to determine the role of this variant in disease. Therefore, it has been classified as a Variant of Uncertain Significance. This variant has not been reported in the literature in individuals affected with NEBL-related conditions. This variant is not present in population databases (gnomAD no frequency). This sequence change replaces lysine, which is basic and polar, with glutamic acid, which is acidic and polar, at codon 460 of the NEBL protein (p.Lys460Glu).